The following is an entry in ClinVar:

NM_198503.5(KCNT2):c.2755A>G (p.Thr919Ala)

Gene: KCNT2 (potassium sodium-activated channel subfamily T member 2; minus strand). Cytogenetic location: 1q31.3.
Variant type: single nucleotide variant.
Coding change: c.2755A>G on transcript NM_198503.5 (MANE Select); coding-DNA position 2755, A replaced by G.
Protein change: p.Thr919Ala; replaces threonine 919 with alanine.
Molecular consequence: missense variant. On other transcripts: non-coding transcript variant (2).
Genome position (GRCh38, 1-based): chr1:196,282,299, T>C on the plus strand (A>G on the coding strand, the complement: KCNT2 is on the minus strand). VCF-style: chr1-196282299-T-C. GRCh37 (hg19) VCF-style: chr1-196251429-T-C.
Other names: c.2683A>G, p.Thr895Ala (NM_001287819.3); c.2533A>G, p.Thr845Ala (NM_001287820.3); short protein forms T845A, T895A, T919A.
Identifiers: ClinVar variation 1313063 (VCV001313063.2), dbSNP rs2147873696, ClinGen allele CA343974231.

ClinVar aggregate classification (germline): Uncertain significance (1 of 4 stars; one submission).

gnomAD v4.1: 1 of 1,600,228 alleles (0.000062%); highest among the groups gnomAD compares: East Asian, 0.0022%; no homozygotes.

Submission:

GeneDx
Classification: Uncertain significance. Last evaluated: 2021-06-03. Review status: criteria provided, single submitter. Criteria: GeneDx Variant Classification Process June 2021. Collection method: clinical testing. Allele origin: germline. Affected: yes.
Comment: Not observed in large population cohorts (Lek et al., 2016); In silico analysis supports that this missense variant does not alter protein structure/function; Has not been previously published as pathogenic or benign to our knowledge